The following is an entry in ClinVar:

NM_004304.5(ALK):c.4325C>G (p.Pro1442Arg)

Gene: ALK (ALK receptor tyrosine kinase; minus strand). Cytogenetic location: 2p23.2.
Variant type: single nucleotide variant.
Coding change: c.4325C>G on transcript NM_004304.5 (MANE Select); coding-DNA position 4325, C replaced by G.
Protein change: p.Pro1442Arg; replaces proline 1442 with arginine.
Molecular consequence: missense variant.
Genome position (GRCh38, 1-based): chr2:29,193,762, G>C on the plus strand (C>G on the coding strand, the complement: ALK is on the minus strand). VCF-style: chr2-29193762-G-C. GRCh37 (hg19) VCF-style: chr2-29416628-G-C.
Other names: c.1121C>G, p.Pro374Arg (NM_001353765.2); short protein forms P1442R, P374R.
Identifiers: ClinVar variation 3223900 (VCV003223900.1), dbSNP rs1668948928, ClinGen allele CA346462626.
Genomic context (GRCh38, chr2:29,193,762, plus strand): 5'-GAGATCTCTGCAGCTGTGGGTTTCTTTGCAGCCTTGCCAGAGGAGGTGGTAGGCAGAGGT[G>C]GTGGGGCAGCTGGGCTGCGCTCCTCCTCCCGTTTTGCCTGTTGAGAGACCAGGAGAGGAG-3'
Protein context (NP_004295.2, residues 1432-1452): REEERSPAAP[Pro1442Arg]PLPTTSSGKA

ClinVar aggregate classification (germline): Uncertain significance (1 of 4 stars; one submission).

Conditions:
Hereditary cancer-predisposing syndrome. Also called: Tumor predisposition; Hereditary neoplastic syndrome; Hereditary Cancer Syndrome; Neoplastic Syndromes, Hereditary. Identifiers: Orphanet 140162, MedGen C0027672, MeSH D009386, MONDO:0015356.

Submission:

Ambry Genetics
Classification: Uncertain significance for Hereditary cancer-predisposing syndrome. Last evaluated: 2023-10-22. Review status: criteria provided, single submitter. Criteria: Ambry Variant Classification Scheme 2023. Collection method: clinical testing. Allele origin: germline.
Comment: The p.P1442R variant (also known as c.4325C>G), located in coding exon 29 of the ALK gene, results from a C to G substitution at nucleotide position 4325. The proline at codon 1442 is replaced by arginine, an amino acid with dissimilar properties. This amino acid position is conserved. In addition, this alteration is predicted to be tolerated by in silico analysis. Since supporting evidence is limited at this time, the clinical significance of this alteration remains unclear.